The following is an entry in ClinVar:

ClinVar aggregate classification (germline): Uncertain significance. Review status: criteria provided, multiple submitters, no conflicts (2 of 4 stars). 2 submissions from 2 submitters: Uncertain significance (2). Last evaluated 2025-07-09.

gnomAD v4.1: 5 of 1,612,776 alleles (0.00031%); highest among the groups gnomAD compares: Non-Finnish European, 0.00042%; no homozygotes.

Submissions (2):

Labcorp Genetics (formerly Invitae), Labcorp
Classification: Uncertain significance. Last evaluated: 2025-07-09. Review status: criteria provided, single submitter. Criteria: Invitae Variant Classification Sherloc (09022015). Collection method: clinical testing. Allele origin: germline.
Comment: This sequence change replaces arginine, which is basic and polar, with leucine, which is neutral and non-polar, at codon 742 of the MICAL1 protein (p.Arg742Leu). The frequency data for this variant in the population databases is considered unreliable, as metrics indicate poor data quality at this position in the gnomAD database. This variant has not been reported in the literature in individuals affected with MICAL1-related conditions. ClinVar contains an entry for this variant (Variation ID: 3126125). An algorithm developed to predict the effect of missense changes on protein structure and function (PolyPhen-2) suggests that this variant is likely to be tolerated. In summary, the available evidence is currently insufficient to determine the role of this variant in disease. Therefore, it has been classified as a Variant of Uncertain Significance.

Ambry Genetics
Classification: Uncertain significance. Last evaluated: 2023-12-31. Review status: criteria provided, single submitter. Criteria: Ambry Variant Classification Scheme 2023. Collection method: clinical testing. Allele origin: germline.

NM_022765.4(MICAL1):c.2168G>T (p.Arg723Leu)

Gene: MICAL1 (microtubule associated monooxygenase, calponin and LIM domain containing 1; minus strand). Cytogenetic location: 6q21.
Variant type: single nucleotide variant.
Coding change: c.2168G>T on transcript NM_022765.4 (MANE Select); coding-DNA position 2168, G replaced by T.
Protein change: p.Arg723Leu; replaces arginine 723 with leucine.
Molecular consequence: missense variant.
Genome position (GRCh38, 1-based): chr6:109,447,132, C>A on the plus strand (G>T on the coding strand, the complement: MICAL1 is on the minus strand). VCF-style: chr6-109447132-C-A. GRCh37 (hg19) VCF-style: chr6-109768335-C-A.
Other names: c.1910G>T, p.Arg637Leu (NM_001159291.2); c.2225G>T, p.Arg742Leu (NM_001286613.2); short protein forms R742L, R637L, R723L.
Identifiers: ClinVar variation 3126125 (VCV003126125.2), dbSNP rs201874487, ClinGen allele CA145118829.